The following is an entry in ClinVar:

ClinVar aggregate classification (germline): Uncertain significance (1 of 4 stars; one submission).

Submission:

GeneDx
Classification: Uncertain significance. Last evaluated: 2022-10-07. Review status: criteria provided, single submitter. Criteria: GeneDx Variant Classification Process June 2021. Collection method: clinical testing. Allele origin: germline. Affected: yes.
Comment: Not observed at significant frequency in large population cohorts (gnomAD); Frameshift variant predicted to result in protein truncation or nonsense mediated decay in a gene or region of a gene for which loss of function is not a well-established mechanism of disease; Has not been previously published as pathogenic or benign to our knowledge; Variants in candidate genes are classified as variants of uncertain significance in accordance with ACMG guidelines (Richards et al., 2015)

NM_006885.4(ZFHX3):c.2258del (p.Asn753fs)

Gene: ZFHX3 (zinc finger homeobox 3; minus strand). Cytogenetic location: 16q22.3.
Variant type: Deletion.
Coding change: c.2258del on transcript NM_006885.4 (MANE Select); coding-DNA position 2258, one base deleted (A; older notation c.2258delA).
Protein change: p.Asn753fs; shifts the reading frame from asparagine 753.
Molecular consequence: frameshift variant. On other transcripts: intron variant (1).
Genome position (GRCh38, 1-based): chr16:72,957,888, T deleted on the plus strand (A on the coding strand, the reverse complement: ZFHX3 is on the minus strand); the first of 2 consecutive T bases (chr16:72,957,888-72,957,889); deleting either gives the same sequence. VCF-style (leftmost placement, unchanged base first): chr16-72957887-GT-G. GRCh37 (hg19) VCF-style: chr16-72991786-GT-G.
Other names: c.2258del, p.Asn753fs (NM_001386735.1); c.-23-6923del (NM_001164766.2); short protein forms N753fs.
Identifiers: ClinVar variation 3342650 (VCV003342650.1).